The following is an entry in ClinVar:

NM_004304.5(ALK):c.3902del (p.Phe1301fs)

Gene: ALK (ALK receptor tyrosine kinase; minus strand). Cytogenetic location: 2p23.2.
Variant type: Deletion.
Coding change: c.3902del on transcript NM_004304.5 (MANE Select); coding-DNA position 3902, one base deleted (T; older notation c.3902delT).
Protein change: p.Phe1301fs; shifts the reading frame from phenylalanine 1301.
Molecular consequence: frameshift variant.
Genome position (GRCh38, 1-based): chr2:29,207,207, A deleted on the plus strand (T on the coding strand, the reverse complement: ALK is on the minus strand); the first of 2 consecutive A bases (chr2:29,207,207-29,207,208); deleting either gives the same sequence. VCF-style (leftmost placement, unchanged base first): chr2-29207206-GA-G. GRCh37 (hg19) VCF-style: chr2-29430072-GA-G.
Other names: c.698del, p.Phe233fs (NM_001353765.2); short protein forms F1301fs, F233fs.
Identifiers: ClinVar variation 1009087 (VCV001009087.9), dbSNP rs1669334076, ClinGen allele CA1241082633.

ClinVar aggregate classification (germline): Uncertain significance. Review status: criteria provided, multiple submitters, no conflicts (2 of 4 stars). 2 submissions from 2 submitters: Uncertain significance (2). Last evaluated 2022-05-10.

Conditions:
Hereditary cancer-predisposing syndrome. Also called: Tumor predisposition; Hereditary Cancer Syndrome; Neoplastic Syndromes, Hereditary; Hereditary neoplastic syndrome. Identifiers: Orphanet 140162, MedGen C0027672, MeSH D009386, MONDO:0015356.
Neuroblastoma, susceptibility to, 3. Also called: ALK-Related Neuroblastic Tumor Susceptibility. Identifiers: Orphanet 635, MedGen C2751681, MONDO:0013083, OMIM 613014.

Submissions (2):

Ambry Genetics
Classification: Uncertain significance for Hereditary cancer-predisposing syndrome. Last evaluated: 2022-05-10. Review status: criteria provided, single submitter. Criteria: Ambry Variant Classification Scheme 2023. Collection method: clinical testing. Allele origin: germline.
Comment: The c.3902delT variant, located in coding exon 26 of the ALK gene, results from a deletion of one nucleotide at nucleotide position 3902, causing a translational frameshift with a predicted alternate stop codon (p.F1301Sfs*61). This alteration is expected to result in premature protein truncation or nonsense-mediated mRNA decay. However, loss of function of ALK has not been clearly established as a mechanism of disease. Since supporting evidence is limited at this time, the clinical significance of this alteration remains unclear.

Labcorp Genetics (formerly Invitae), Labcorp
Classification: Uncertain significance for Neuroblastoma, susceptibility to, 3. Last evaluated: 2020-02-04. Review status: criteria provided, single submitter. Criteria: Invitae Variant Classification Sherloc (09022015). Collection method: clinical testing. Allele origin: germline.
Comment: In summary, the available evidence is currently insufficient to determine the role of this variant in disease. Therefore, it has been classified as a Variant of Uncertain Significance. The current clinical and genetic evidence is not sufficient to establish whether loss-of-function variants in ALK cause disease. This variant has not been reported in the literature in individuals with ALK-related conditions. This variant is not present in population databases (ExAC no frequency). This sequence change creates a premature translational stop signal (p.Phe1301Serfs*61) in the ALK gene. It is expected to result in an absent or disrupted protein product.